The following is an entry in ClinVar:

NM_031844.3(HNRNPU):c.685G>C (p.Ala229Pro)

Gene: HNRNPU (heterogeneous nuclear ribonucleoprotein U; minus strand). Cytogenetic location: 1q44.
Variant type: single nucleotide variant.
Coding change: c.685G>C on transcript NM_031844.3 (MANE Select); coding-DNA position 685, G replaced by C.
Protein change: p.Ala229Pro; replaces alanine 229 with proline.
Molecular consequence: missense variant. On other transcripts: intron variant (1).
Genome position (GRCh38, 1-based): chr1:244,863,623, C>G on the plus strand (G>C on the coding strand, the complement: HNRNPU is on the minus strand). VCF-style: chr1-244863623-C-G. GRCh37 (hg19) VCF-style: chr1-245026925-C-G.
Other names: c.634+51G>C (NM_004501.3); short protein forms A229P.
Identifiers: ClinVar variation 1489743 (VCV001489743.8), dbSNP rs2102990410, ClinGen allele CA345495981.
Genomic context (GRCh38, chr1:244,863,623, plus strand): 5'-GTCCCCACCCCGCGCGGGCCTCCCGCCGCGCGCAACGTACAACGCAGCACTCACCCGCCG[C>G]CGGAGCCCCGGGGCGACCGCCGCCTCCGCCGCCTTCCGCCTTCTTCTTACCTCCCGCCTG-3'
Protein context (NP_114032.2, residues 219-239): GGGGGRPGAP[Ala229Pro]AGDGKTEQKG

ClinVar aggregate classification (germline): Uncertain significance (1 of 4 stars; one submission).

Conditions:
Developmental and epileptic encephalopathy, 54. Also called: Epileptic encephalopathy, early infantile, 54; HNRNPU-Related Neurodevelopmental Disorder. Identifiers: MedGen C4479319, MONDO:0033363, OMIM 617391.

Submission:

Labcorp Genetics (formerly Invitae), Labcorp
Classification: Uncertain significance for Developmental and epileptic encephalopathy, 54. Last evaluated: 2021-05-14. Review status: criteria provided, single submitter. Criteria: Invitae Variant Classification Sherloc (09022015). Collection method: clinical testing. Allele origin: germline.
Comment: This variant has not been reported in the literature in individuals with HNRNPU-related conditions. In summary, the available evidence is currently insufficient to determine the role of this variant in disease. Therefore, it has been classified as a Variant of Uncertain Significance. Algorithms developed to predict the effect of missense changes on protein structure and function are either unavailable or do not agree on the potential impact of this missense change (SIFT: "Tolerated"; PolyPhen-2: "Possibly Damaging"; Align-GVGD: "Class C0"). This variant is not present in population databases (ExAC no frequency). This sequence change replaces alanine with proline at codon 229 of the HNRNPU protein (p.Ala229Pro). The alanine residue is weakly conserved and there is a small physicochemical difference between alanine and proline.